The following is an entry in ClinVar:

NM_006031.6(PCNT):c.7925G>A (p.Ser2642Asn)

Gene: PCNT (pericentrin; plus strand). Cytogenetic location: 21q22.3.
Variant type: single nucleotide variant.
Coding change: c.7925G>A on transcript NM_006031.6 (MANE Select); coding-DNA position 7925, G replaced by A.
Protein change: p.Ser2642Asn; replaces serine 2642 with asparagine.
Molecular consequence: missense variant.
Genome position (GRCh38, 1-based): chr21:46,430,518, G>A. VCF-style: chr21-46430518-G-A. GRCh37 (hg19) VCF-style: chr21-47850432-G-A.
Other names: c.7571G>A, p.Ser2524Asn (NM_001315529.2); short protein forms S2642N, S2524N.
Identifiers: ClinVar variation 1953400 (VCV001953400.5), dbSNP rs1026596146, ClinGen allele CA322015428.

ClinVar aggregate classification (germline): Uncertain significance (1 of 4 stars; one submission).

Submission:

Labcorp Genetics (formerly Invitae), Labcorp
Classification: Uncertain significance. Last evaluated: 2022-12-22. Review status: criteria provided, single submitter. Criteria: Invitae Variant Classification Sherloc (09022015). Collection method: clinical testing. Allele origin: germline.
Comment: In summary, the available evidence is currently insufficient to determine the role of this variant in disease. Therefore, it has been classified as a Variant of Uncertain Significance. Algorithms developed to predict the effect of missense changes on protein structure and function are either unavailable or do not agree on the potential impact of this missense change (SIFT: "Tolerated"; PolyPhen-2: "Possibly Damaging"; Align-GVGD: "Class C0"). This variant has not been reported in the literature in individuals affected with PCNT-related conditions. This variant is not present in population databases (gnomAD no frequency). This sequence change replaces serine, which is neutral and polar, with asparagine, which is neutral and polar, at codon 2642 of the PCNT protein (p.Ser2642Asn).